The following is an entry in ClinVar:

NM_000455.5(STK11):c.374+6C>T

Gene: STK11 (serine/threonine kinase 11; plus strand). Cytogenetic location: 19p13.3.
Variant type: single nucleotide variant.
Coding change: c.374+6C>T on transcript NM_000455.5 (MANE Select); 6 bases into the intron after coding-DNA position 374, C replaced by T.
Molecular consequence: intron variant.
Genome position (GRCh38, 1-based): chr19:1,218,506, C>T. VCF-style: chr19-1218506-C-T. GRCh37 (hg19) VCF-style: chr19-1218505-C-T.
Identifiers: ClinVar variation 1037866 (VCV001037866.6), dbSNP rs2080759189, ClinGen allele CA2317588578.
Genomic context (GRCh38, chr19:1,218,506, plus strand): 5'-ACAAAAATGTCATCCAGCTGGTGGATGTGTTATACAACGAAGAGAAGCAGAAAATATATC[C>T]TTTCCGGTGTTGGGACCGCGGGGCCTCCGTGGGAGGGGCTGGGGCCCTGGGTCCGCCTGC-3'

ClinVar aggregate classification (germline): Uncertain significance (1 of 4 stars; one submission).

Conditions:
Peutz-Jeghers syndrome (PJS). Also called: POLYPOSIS, HAMARTOMATOUS INTESTINAL; POLYPS-AND-SPOTS SYNDROME; Peutz-Jeghers polyposis; Periorificial lentiginosis syndrome. Identifiers: Orphanet 2869, MedGen C0031269, MeSH D010580, MONDO:0008280, OMIM 175200.

Submission:

Labcorp Genetics (formerly Invitae), Labcorp
Classification: Uncertain significance for Peutz-Jeghers syndrome. Last evaluated: 2022-09-06. Review status: criteria provided, single submitter. Criteria: Invitae Variant Classification Sherloc (09022015). Collection method: clinical testing. Allele origin: germline.
Comment: Variants that disrupt the consensus splice site are a relatively common cause of aberrant splicing (PMID: 17576681, 9536098). Algorithms developed to predict the effect of sequence changes on RNA splicing suggest that this variant is not likely to affect RNA splicing. In summary, the available evidence is currently insufficient to determine the role of this variant in disease. Therefore, it has been classified as a Variant of Uncertain Significance. ClinVar contains an entry for this variant (Variation ID: 1037866). This variant has not been reported in the literature in individuals affected with STK11-related conditions. This variant is not present in population databases (gnomAD no frequency). This sequence change falls in intron 2 of the STK11 gene. It does not directly change the encoded amino acid sequence of the STK11 protein. It affects a nucleotide within the consensus splice site.

Literature cited by the submitters: PubMed 17576681; PubMed 9536098.